The following is an entry in ClinVar:

NM_000258.3(MYL3):c.230G>T (p.Gly77Val)

Gene: MYL3 (myosin light chain 3; minus strand). Cytogenetic location: 3p21.31.
Variant type: single nucleotide variant.
Coding change: c.230G>T on transcript NM_000258.3 (MANE Select); coding-DNA position 230, G replaced by T.
Protein change: p.Gly77Val; replaces glycine 77 with valine.
Molecular consequence: missense variant.
Genome position (GRCh38, 1-based): chr3:46,860,753, C>A on the plus strand (G>T on the coding strand, the complement: MYL3 is on the minus strand). VCF-style: chr3-46860753-C-A. GRCh37 (hg19) VCF-style: chr3-46902243-C-A.
Other names: c.230G>T, p.Gly77Val (NM_001406937.1, NM_001406938.1, NM_001406939.1); c.56G>T, p.Gly19Val (NM_001406940.1, NM_001406941.1); short protein forms G19V, G77V.
Identifiers: ClinVar variation 3072752 (VCV003072752.1), dbSNP rs2544967139, ClinGen allele CA352498255.

ClinVar aggregate classification (germline): Uncertain significance (1 of 4 stars; one submission).

Conditions:
Hypertrophic cardiomyopathy. Also called: HYPERTROPHIC MYOCARDIOPATHY. Identifiers: Orphanet 217569, MedGen C0007194, MeSH D002312, MONDO:0005045, HP:0001639.

Submission:

All of Us Research Program, National Institutes of Health
Classification: Uncertain significance for Hypertrophic cardiomyopathy. Last evaluated: 2023-08-15. Review status: criteria provided, single submitter. Criteria: ACMG Guidelines, 2015. Collection method: clinical testing. Allele origin: germline. Inheritance: Autosomal dominant inheritance. Observed: 1 variant allele, 1 heterozygote.
Comment: This missense variant replaces glycine with valine at codon 77 of the MYL3 protein. Computational prediction suggests that this variant may have deleterious impact on protein structure and function (internally defined REVEL score threshold >= 0.7, PMID: 27666373). To our knowledge, functional studies have not been reported for this variant. This variant has not been reported in individuals affected with MYL3-related disorders in the literature. This variant has not been identified in the general population by the Genome Aggregation Database (gnomAD). The available evidence is insufficient to determine the role of this variant in disease conclusively. Therefore, this variant is classified as a Variant of Uncertain Significance.

This study involves interpretation of variants in research participants for the purpose of population health screening. Participant phenotype was not available at the time of variant classification. Additional details can be found in publication PMID: 35346344, PMCID: PMC8962531